The following is an entry in ClinVar:

NM_003907.3(EIF2B5):c.1655T>C (p.Val552Ala)

Gene: EIF2B5 (eukaryotic translation initiation factor 2B subunit epsilon; plus strand). Cytogenetic location: 3q27.1.
Variant type: single nucleotide variant.
Coding change: c.1655T>C on transcript NM_003907.3 (MANE Select); coding-DNA position 1655, T replaced by C.
Protein change: p.Val552Ala; replaces valine 552 with alanine.
Molecular consequence: missense variant.
Genome position (GRCh38, 1-based): chr3:184,143,052, T>C. VCF-style: chr3-184143052-T-C. GRCh37 (hg19) VCF-style: chr3-183860840-T-C.
Other names: short protein forms V552A.
Identifiers: ClinVar variation 1408330 (VCV001408330.6), dbSNP rs2109011086, ClinGen allele CA355392190.

ClinVar aggregate classification (germline): Uncertain significance (1 of 4 stars; one submission).

Submission:

Labcorp Genetics (formerly Invitae), Labcorp
Classification: Uncertain significance. Last evaluated: 2021-12-02. Review status: criteria provided, single submitter. Criteria: Invitae Variant Classification Sherloc (09022015). Collection method: clinical testing. Allele origin: germline.
Comment: This sequence change replaces valine, which is neutral and non-polar, with alanine, which is neutral and non-polar, at codon 552 of the EIF2B5 protein (p.Val552Ala). In summary, the available evidence is currently insufficient to determine the role of this variant in disease. Therefore, it has been classified as a Variant of Uncertain Significance. Algorithms developed to predict the effect of missense changes on protein structure and function are either unavailable or do not agree on the potential impact of this missense change (SIFT: "Deleterious"; PolyPhen-2: "Benign"; Align-GVGD: "Class C0"). This variant has not been reported in the literature in individuals affected with EIF2B5-related conditions. This variant is not present in population databases (gnomAD no frequency).